The following is an entry in ClinVar:

ClinVar aggregate classification (germline): Uncertain significance (1 of 4 stars; one submission).

Conditions:
Noonan syndrome 9 (NS9). Identifiers: Orphanet 648, MedGen C4225282, MONDO:0014691, OMIM 616559.

Submission:

Labcorp Genetics (formerly Invitae), Labcorp
Classification: Uncertain significance for Noonan syndrome 9. Last evaluated: 2023-05-19. Review status: criteria provided, single submitter. Criteria: Invitae Variant Classification Sherloc (09022015). Collection method: clinical testing. Allele origin: germline.
Comment: This variant is not present in population databases (gnomAD no frequency). In summary, the available evidence is currently insufficient to determine the role of this variant in disease. Therefore, it has been classified as a Variant of Uncertain Significance. This variant has not been reported in the literature in individuals affected with SOS2-related conditions. This sequence change creates a premature translational stop signal (p.Glu581Glyfs*6) in the SOS2 gene. It is expected to result in an absent or disrupted protein product. However, the current clinical and genetic evidence is not sufficient to establish whether loss-of-function variants in SOS2 cause disease.

NM_006939.4(SOS2):c.1740_1741del (p.Glu581fs)

Gene: SOS2 (SOS Ras/Rho guanine nucleotide exchange factor 2; minus strand). Cytogenetic location: 14q21.3.
Variant type: Deletion.
Coding change: c.1740_1741del on transcript NM_006939.4 (MANE Select); coding-DNA positions 1740 to 1741, 2 bases deleted (TG; older notation c.1740_1741delTG).
Protein change: p.Glu581fs; shifts the reading frame from glutamic acid 581.
Molecular consequence: frameshift variant.
Genome position (GRCh38, 1-based): chr14:50,159,542-50,159,543, CA deleted on the plus strand (TG on the coding strand, the reverse complement: SOS2 is on the minus strand). VCF-style (leftmost placement, unchanged base first): chr14-50159541-TCA-T. GRCh37 (hg19) VCF-style: chr14-50626259-TCA-T.
Other names: c.1641_1642del, p.Glu548fs (NM_001411020.1); short protein forms E581fs, E548fs.
Identifiers: ClinVar variation 2865949 (VCV002865949.3), dbSNP rs2502988248, ClinGen allele CA2739279656.